The following is an entry in ClinVar:

NM_000048.4(ASL):c.557G>A (p.Arg186Gln)

Gene: ASL (argininosuccinate lyase; plus strand). Cytogenetic location: 7q11.21.
Variant type: single nucleotide variant.
Coding change: c.557G>A on transcript NM_000048.4 (MANE Select); coding-DNA position 557, G replaced by A.
Protein change: p.Arg186Gln; replaces arginine 186 with glutamine.
Molecular consequence: missense variant. On other transcripts: intron variant (1).
Genome position (GRCh38, 1-based): chr7:66,086,776, G>A. VCF-style: chr7-66086776-G-A. GRCh37 (hg19) VCF-style: chr7-65551763-G-A.
Other names: c.557G>A, p.Arg186Gln (NM_001024943.2, NM_001024944.2); c.524+114G>A (NM_001024946.2); short protein forms R186Q.
Identifiers: ClinVar variation 933174 (VCV000933174.35), dbSNP rs752397242, ClinGen allele CA4277005.

ClinVar aggregate classification (germline): Pathogenic. Review status: criteria provided, multiple submitters, no conflicts (2 of 4 stars). 7 submissions from 7 submitters: Pathogenic (7). Last evaluated 2026-01-11.

Conditions:
Argininosuccinate lyase deficiency. Also called: Argininosuccinic aciduria; ARGININOSUCCINIC ACID LYASE DEFICIENCY; ASL DEFICIENCY. Identifiers: Orphanet 23, MedGen C0268547, MONDO:0008815, OMIM 207900, HP:0025630.
Inborn genetic diseases. Identifiers: MedGen C0950123, MeSH D030342.

Allele frequency attached by ClinVar (database versions not stated): gnomAD 0.00002; gnomAD exomes 0.00002; TOPMed 0.00002; ExAC 0.00006.
gnomAD v4.1: 37 of 1,597,948 alleles (0.0023%); highest among the groups gnomAD compares: African/African-American, 0.0027%; no homozygotes.

Submissions (7):

Labcorp Genetics (formerly Invitae), Labcorp
Classification: Pathogenic for Argininosuccinate lyase deficiency. Last evaluated: 2026-01-11. Review status: criteria provided, single submitter. Criteria: Invitae Variant Classification Sherloc (09022015). Collection method: clinical testing. Allele origin: germline.
Comment: This sequence change replaces arginine, which is basic and polar, with glutamine, which is neutral and polar, at codon 186 of the ASL protein (p.Arg186Gln). The frequency data for this variant in the population databases is considered unreliable, as metrics indicate poor data quality at this position in the gnomAD database. This missense change has been observed in individual(s) with argininosuccinate lyase deficiency (PMID: 17326097). In at least one individual the data is consistent with being in trans (on the opposite chromosome) from a pathogenic variant. ClinVar contains an entry for this variant (Variation ID: 933174). Invitae Evidence Modeling of protein sequence and biophysical properties (such as structural, functional, and spatial information, amino acid conservation, physicochemical variation, residue mobility, and thermodynamic stability) indicates that this missense variant is expected to disrupt ASL protein function with a positive predictive value of 95%. Experimental studies have shown that this missense change affects ASL function (PMID: 19703900). This variant disrupts the p.Arg186 amino acid residue in ASL. Other variant(s) that disrupt this residue have been determined to be pathogenic (PMID: 29326055). This suggests that this residue is clinically significant, and that variants that disrupt this residue are likely to be disease-causing. For these reasons, this variant has been classified as Pathogenic.

Natera, Inc.
Classification: Pathogenic for Argininosuccinate lyase deficiency. Last evaluated: 2025-05-15. Review status: criteria provided, single submitter. Criteria: Natera Variant Classification Schema (03/2026). Collection method: clinical testing. Allele origin: germline.
Comment: The c.557G>A variant in ASL is a missense variant predicted to cause substitution of arginine to glutamine at amino acid 186. This variant is rare in the general population with a frequency below the threshold expected for the associated phenotype(s). This variant has been observed in one or more individuals affected with the associated recessive disease, as either homozygous or compound heterozygous with a second variant (PMID: 24166829). A different variant at the same position has been determined to be Pathogenic or Likely Pathogenic. Computational prediction algorithms indicate this variant is likely to affect gene or protein function. Given the available evidence, this variant is classified as Pathogenic.

Ambry Genetics
Classification: Pathogenic for Inborn genetic diseases. Last evaluated: 2024-09-20. Review status: criteria provided, single submitter. Criteria: Ambry Variant Classification Scheme 2023. Collection method: clinical testing. Allele origin: germline.
Comment: The c.557G>A (p.R186Q) alteration is located in exon 8 (coding exon 7) of the ASL gene. This alteration results from a G to A substitution at nucleotide position 557, causing the arginine (R) at amino acid position 186 to be replaced by a glutamine (Q). Based on data from gnomAD, the A allele has an overall frequency of 0.002% (4/218826) total alleles studied. The highest observed frequency was 0.007% (1/13526) of African alleles. This variant has been identified in conjunction with other ASL variants in individuals with neonatal onset coma, hyperammonemia, seizures, hepatomegaly and/or abnormal biochemical findings consistent with argininosuccinic aciduria; in at least one instance, the variants were identified in trans (Trevisson, 2009; Nagamani, 2012; Kim, 2018). This amino acid position is highly conserved in available vertebrate species. In an assay testing ASL function, this variant showed a functionally abnormal result (Trevisson, 2009). This alteration is predicted to be deleterious by in silico analysis. Based on the available evidence, this alteration is classified as pathogenic.

CeGaT Center for Human Genetics Tuebingen
Classification: Pathogenic. Last evaluated: 2024-05-01. Review status: criteria provided, single submitter. Criteria: CeGaT Center For Human Genetics Tuebingen Variant Classification Criteria Version 2. Collection method: clinical testing. Allele origin: germline. Affected: yes. Observed: 1 variant allele.
Comment: ASL: PM3:Very Strong, PM1, PM2, PM5, PS3:Supporting

Fulgent Genetics
Classification: Pathogenic for Argininosuccinate lyase deficiency. Last evaluated: 2024-04-05. Review status: criteria provided, single submitter. Criteria: ACMG Guidelines, 2015. Collection method: clinical testing. Allele origin: germline.

Baylor Genetics
Classification: Pathogenic for Argininosuccinate lyase deficiency. Last evaluated: 2024-03-09. Review status: criteria provided, single submitter. Criteria: ACMG Guidelines, 2015. Collection method: clinical testing. Allele origin: unknown.

Women's Health and Genetics/Laboratory Corporation of America, LabCorp
Classification: Pathogenic for Argininosuccinate lyase deficiency. Last evaluated: 2021-10-15. Review status: criteria provided, single submitter. Criteria: LabCorp Variant Classification Summary - May 2015. Collection method: clinical testing. Allele origin: germline.
Comment: Variant summary: ASL c.557G>A (p.Arg186Gln) results in a conservative amino acid change located in the Fumarate lyase, N-terminal domain (IPR022761) of the encoded protein sequence. Four of five in-silico tools predict a damaging effect of the variant on protein function. The variant allele was found at a frequency of 1.8e-05 in 218826 control chromosomes (gnomAD). c.557G>A has been reported in the literature in individuals affected with Argininosuccinic Aciduria (e.g. Balmer_2014, Nagamani_2012, Trevisson_2007, Burrage_2020). These data indicate that the variant is likely to be associated with disease. Experimental evidence demonstrated the variant affects enzyme activity (e.g. Trevisson_2009). Additionally, another variant at the same residue, p.Arg186Trp, was found in individuals affected Argininosuccinic Aciduria (e.g.Balmer_2014) and has been classified as pathogenic at our laboratory, indicating the arginine residue is critical for protein function. One ClinVar submitter (evaluation after 2014) cites the variant as pathogenic. Based on the evidence outlined above, the variant was classified as pathogenic.

Literature cited by the submitters: PubMed 17326097 (cited by Labcorp Genetics (formerly Invitae), Labcorp and Women's Health and Genetics/Laboratory Corporation of America, LabCorp); PubMed 19703900 (cited by 3 submitters); PubMed 29326055 (cited by Labcorp Genetics (formerly Invitae), Labcorp); PubMed 24166829 (cited by Natera, Inc. and Women's Health and Genetics/Laboratory Corporation of America, LabCorp); PubMed 22541557 (cited by Ambry Genetics and Women's Health and Genetics/Laboratory Corporation of America, LabCorp); PubMed 29773863 (cited by Ambry Genetics); PubMed 31990680 (cited by Women's Health and Genetics/Laboratory Corporation of America, LabCorp).